The following is an entry in ClinVar:

ClinVar aggregate classification (germline): Likely benign (1 of 4 stars; one submission).

Allele frequency attached by ClinVar (database versions not stated): ExAC below 0.00001; gnomAD exomes below 0.00001.
gnomAD v4.1: 2 of 1,565,708 alleles (0.00013%); highest among the groups gnomAD compares: Non-Finnish European, 0.00017%; no homozygotes.

Submission:

GeneDx
Classification: Likely benign. Last evaluated: 2018-02-06. Review status: criteria provided, single submitter. Criteria: GeneDx Variant Classification (06012015). Collection method: clinical testing. Allele origin: germline. Affected: yes.
Comment: This variant is considered likely benign or benign based on one or more of the following criteria: it is a conservative change, it occurs at a poorly conserved position in the protein, it is predicted to be benign by multiple in silico algorithms, and/or has population frequency not consistent with disease.

NM_032119.4(ADGRV1):c.6489T>C (p.Ala2163=)

Gene: ADGRV1 (adhesion G protein-coupled receptor V1; plus strand). Cytogenetic location: 5q14.3.
Variant type: single nucleotide variant.
Coding change: c.6489T>C on transcript NM_032119.4 (MANE Select); coding-DNA position 6489, T replaced by C.
Protein change: p.Ala2163=; no amino-acid change (alanine 2163 retained).
Molecular consequence: synonymous variant. On other transcripts: non-coding transcript variant (1).
Genome position (GRCh38, 1-based): chr5:90,685,994, T>C. VCF-style: chr5-90685994-T-C. GRCh37 (hg19) VCF-style: chr5-89981811-T-C.
Identifiers: ClinVar variation 515110 (VCV000515110.1), dbSNP rs746331284, ClinGen allele CA3339791.